The following is an entry in ClinVar:

NM_001377540.1(SLMAP):c.966+4T>C

Gene: SLMAP (sarcolemma associated protein; plus strand). Cytogenetic location: 3p14.3.
Variant type: single nucleotide variant.
Coding change: c.966+4T>C on transcript NM_001377540.1 (MANE Select); 4 bases into the intron after coding-DNA position 966, T replaced by C.
Molecular consequence: intron variant.
Genome position (GRCh38, 1-based): chr3:57,862,090, T>C. VCF-style: chr3-57862090-T-C. GRCh37 (hg19) VCF-style: chr3-57847817-T-C.
Other names: c.966+4T>C (NM_001377538.1, NM_001377539.1, NM_001377555.1 and 17 more transcripts).
Identifiers: ClinVar variation 4687147 (VCV004687147.1).

ClinVar aggregate classification (germline): Uncertain significance (1 of 4 stars; one submission).

Submission:

Women's Health and Genetics/Laboratory Corporation of America, LabCorp
Classification: Uncertain significance. Last evaluated: 2025-10-21. Review status: criteria provided, single submitter. Criteria: LabCorp Variant Classification Summary - May 2015. Collection method: clinical testing. Allele origin: germline.
Comment: Variant summary: SLMAP c.966+4T>C alters a conserved nucleotide located close to a canonical splice site and therefore could affect mRNA splicing, leading to a significantly altered protein sequence. Consensus agreement among computation tools predict no significant impact on normal splicing. However, these predictions have yet to be confirmed by functional studies. The variant was absent in 248596 control chromosomes. The available data on variant occurrences in the general population are insufficient to allow any conclusion about variant significance. To our knowledge, no occurrence of c.966+4T>C in individuals affected with SLMAP-related conditions and no experimental evidence demonstrating its impact on protein function have been reported. No submitters have cited clinical-significance assessments for this variant to ClinVar. Based on the evidence outlined above, the variant was classified as uncertain significance.